The following is an entry in ClinVar:

ClinVar aggregate classification (germline): Pathogenic (1 of 4 stars; one submission).

Conditions:
Peroxisome biogenesis disorder. Identifiers: Orphanet 79189, MedGen C1832200, MONDO:0019234. Disease mechanism: loss of function.

Allele frequency attached by ClinVar (database versions not stated): TOPMed below 0.00001; ExAC 0.00001; gnomAD 0.00001.
gnomAD v4.1: 21 of 1,609,112 alleles (0.0013%); highest among the groups gnomAD compares: Non-Finnish European, 0.0018%; no homozygotes.

Submission:

Labcorp Genetics (formerly Invitae), Labcorp
Classification: Pathogenic for Peroxisome biogenesis disorder. Last evaluated: 2024-06-22. Review status: criteria provided, single submitter. Criteria: Invitae Variant Classification Sherloc (09022015). Collection method: clinical testing. Allele origin: germline.
Comment: This sequence change creates a premature translational stop signal (p.Gln199*) in the PEX16 gene. It is expected to result in an absent or disrupted protein product. Loss-of-function variants in PEX16 are known to be pathogenic (PMID: 9837814, 11890679, 20647552, 20681997). The frequency data for this variant in the population databases is considered unreliable, as metrics indicate poor data quality at this position in the gnomAD database. This variant has not been reported in the literature in individuals affected with PEX16-related conditions. For these reasons, this variant has been classified as Pathogenic.

Literature cited by the submitters: PubMed 9837814; PubMed 11890679; PubMed 20647552; PubMed 20681997.

NM_004813.4(PEX16):c.595C>T (p.Gln199Ter)

Gene: PEX16 (peroxisomal biogenesis factor 16; minus strand). Cytogenetic location: 11p11.2.
Variant type: single nucleotide variant.
Coding change: c.595C>T on transcript NM_004813.4 (MANE Select); coding-DNA position 595, C replaced by T.
Protein change: p.Gln199Ter; replaces glutamine 199 with a stop codon.
Molecular consequence: nonsense.
Genome position (GRCh38, 1-based): chr11:45,914,415, G>A on the plus strand (C>T on the coding strand, the complement: PEX16 is on the minus strand). VCF-style: chr11-45914415-G-A. GRCh37 (hg19) VCF-style: chr11-45935966-G-A.
Other names: c.595C>T, p.Gln199Ter (NM_057174.3); short protein forms Q199*.
Identifiers: ClinVar variation 2724609 (VCV002724609.3), dbSNP rs770726448, ClinGen allele CA5959911.